The following is an entry in ClinVar:

ClinVar aggregate classification (germline): Conflicting classifications of pathogenicity. Review status: criteria provided, conflicting classifications (1 of 4 stars). 2 submissions from 2 submitters: Uncertain significance (1); Likely benign (1). Last evaluated 2025-03-24.

Conditions:
Neuroblastoma, susceptibility to, 3. Also called: ALK-Related Neuroblastic Tumor Susceptibility. Identifiers: Orphanet 635, MedGen C2751681, MONDO:0013083, OMIM 613014.
Hereditary cancer-predisposing syndrome. Also called: Hereditary Cancer Syndrome; Hereditary neoplastic syndrome; Neoplastic Syndromes, Hereditary; Tumor predisposition. Identifiers: Orphanet 140162, MedGen C0027672, MeSH D009386, MONDO:0015356.

Submissions (2):

Labcorp Genetics (formerly Invitae), Labcorp
Classification: Likely benign for Neuroblastoma, susceptibility to, 3. Last evaluated: 2025-03-24. Review status: criteria provided, single submitter. Criteria: Invitae Variant Classification Sherloc (09022015). Collection method: clinical testing. Allele origin: germline.

Ambry Genetics
Classification: Uncertain significance for Hereditary cancer-predisposing syndrome. Last evaluated: 2024-12-05. Review status: criteria provided, single submitter. Criteria: Ambry Variant Classification Scheme 2023. Collection method: clinical testing. Allele origin: germline.
Comment: The c.4078C>A variant (also known as p.R1360R), located in coding exon 28 of the ALK gene, results from a C to A substitution at nucleotide position 4078. This nucleotide substitution does not change the amino acid at codon 1360. This nucleotide position is well conserved in available vertebrate species. In silico splice site analysis predicts that this alteration may result in the creation or strengthening of a novel splice acceptor site. Based on the available evidence, the clinical significance of this variant remains unclear.

NM_004304.5(ALK):c.4078C>A (p.Arg1360=)

Gene: ALK (ALK receptor tyrosine kinase; minus strand). Cytogenetic location: 2p23.2.
Variant type: single nucleotide variant.
Coding change: c.4078C>A on transcript NM_004304.5 (MANE Select); coding-DNA position 4078, C replaced by A.
Protein change: p.Arg1360=; no amino-acid change (arginine 1360 retained).
Molecular consequence: synonymous variant.
Genome position (GRCh38, 1-based): chr2:29,196,856, G>T on the plus strand (C>A on the coding strand, the complement: ALK is on the minus strand). VCF-style: chr2-29196856-G-T. GRCh37 (hg19) VCF-style: chr2-29419722-G-T.
Other names: c.874C>A, p.Arg292= (NM_001353765.2).
Identifiers: ClinVar variation 3523013 (VCV003523013.2).